The following is an entry in ClinVar:

ClinVar aggregate classification (germline): Uncertain significance. Review status: criteria provided, multiple submitters, no conflicts (2 of 4 stars). 4 submissions from 4 submitters: Uncertain significance (3). 1 of the submissions does not count toward it. Last evaluated 2025-03-18.

Conditions:
Hereditary cancer-predisposing syndrome. Also called: Tumor predisposition; Hereditary neoplastic syndrome; Neoplastic Syndromes, Hereditary; Hereditary Cancer Syndrome. Identifiers: Orphanet 140162, MedGen C0027672, MeSH D009386, MONDO:0015356.
Hereditary breast ovarian cancer syndrome. Also called: Hereditary breast and ovarian cancer; Breast and ovarian cancer; Hereditary breast and ovarian cancer syndrome (HBOC); Hereditary breast and/or ovarian cancer syndrome; Hereditary breast and ovarian cancer syndrome; BRCA1- and BRCA2-Associated Hereditary Breast and Ovarian Cancer. Identifiers: Orphanet 145, MedGen C0677776, MeSH D061325, MONDO:0003582. Disease mechanism: loss of function.
Familial cancer of breast. Also called: BREAST CANCER, FAMILIAL; hereditary breast carcinoma; Hereditary breast cancer. Identifiers: Orphanet 227535, MedGen C0346153, MONDO:0016419, OMIM 114480. Disease mechanism: loss of function.

Allele frequency attached by ClinVar (database versions not stated): gnomAD exomes below 0.00001; gnomAD 0.00001.
gnomAD v4.1: 3 of 1,613,694 alleles (0.00019%); highest among the groups gnomAD compares: Non-Finnish European, 0.00025%; no homozygotes.

Submissions (4):

Ambry Genetics
Classification: Uncertain significance for Hereditary cancer-predisposing syndrome. Last evaluated: 2025-03-18. Review status: criteria provided, single submitter. Criteria: Ambry Variant Classification Scheme 2023. Collection method: clinical testing. Allele origin: germline.
Comment: The p.A2387V variant (also known as c.7160C>T), located in coding exon 13 of the BRCA2 gene, results from a C to T substitution at nucleotide position 7160. The alanine at codon 2387 is replaced by valine, an amino acid with similar properties. This amino acid position is not well conserved in available vertebrate species. In addition, the in silico prediction for this alteration is inconclusive. Since supporting evidence is limited at this time, the clinical significance of this alteration remains unclear.

Baylor Genetics
Classification: Uncertain significance for Familial cancer of breast. Last evaluated: 2024-03-05. Review status: criteria provided, single submitter. Criteria: ACMG Guidelines, 2015. Collection method: clinical testing. Allele origin: unknown.

Labcorp Genetics (formerly Invitae), Labcorp
Classification: Uncertain significance for Hereditary breast ovarian cancer syndrome. Last evaluated: 2022-12-20. Review status: criteria provided, single submitter. Criteria: Invitae Variant Classification Sherloc (09022015). Collection method: clinical testing. Allele origin: germline.
Comment: In summary, the available evidence is currently insufficient to determine the role of this variant in disease. Therefore, it has been classified as a Variant of Uncertain Significance. Advanced modeling of protein sequence and biophysical properties (such as structural, functional, and spatial information, amino acid conservation, physicochemical variation, residue mobility, and thermodynamic stability) performed at Invitae indicates that this missense variant is not expected to disrupt BRCA2 protein function. ClinVar contains an entry for this variant (Variation ID: 133737). This variant has not been reported in the literature in individuals affected with BRCA2-related conditions. This variant is not present in population databases (gnomAD no frequency). This sequence change replaces alanine, which is neutral and non-polar, with valine, which is neutral and non-polar, at codon 2387 of the BRCA2 protein (p.Ala2387Val).

ITMI
No classification provided. Condition: AllHighlyPenetrant. Last evaluated: 2013-09-19. Review status: no classification provided. Collection method: reference population. Allele origin: germline. Not counted in ClinVar's aggregate classification.
Comment: Please see associated publication for description of ethnicities

Literature cited by the submitters: PubMed 24728327 (cited by ITMI).

NM_000059.4(BRCA2):c.7160C>T (p.Ala2387Val)

Gene: BRCA2 (BRCA2 DNA repair associated; plus strand). Cytogenetic location: 13q13.1.
Variant type: single nucleotide variant.
Coding change: c.7160C>T on transcript NM_000059.4 (MANE Select); coding-DNA position 7160, C replaced by T.
Protein change: p.Ala2387Val; replaces alanine 2387 with valine.
Molecular consequence: missense variant.
Genome position (GRCh38, 1-based): chr13:32,355,013, C>T. VCF-style: chr13-32355013-C-T. GRCh37 (hg19) VCF-style: chr13-32929150-C-T.
Other names: short protein forms A2387V.
Identifiers: ClinVar variation 133737 (VCV000133737.15), dbSNP rs587778126, ClinGen allele CA024915.